The following is an entry in ClinVar:

NM_002734.5(PRKAR1A):c.37C>G (p.Arg13Gly)

Gene: PRKAR1A (protein kinase cAMP-dependent type I regulatory subunit alpha; plus strand). Cytogenetic location: 17q24.2.
Variant type: single nucleotide variant.
Coding change: c.37C>G on transcript NM_002734.5 (MANE Select); coding-DNA position 37, C replaced by G.
Protein change: p.Arg13Gly; replaces arginine 13 with glycine.
Molecular consequence: missense variant.
Genome position (GRCh38, 1-based): chr17:68,515,436, C>G. VCF-style: chr17-68515436-C-G. GRCh37 (hg19) VCF-style: chr17-66511577-C-G.
Other names: c.37C>G, p.Arg13Gly (NM_001369390.1, NM_212471.3, NM_212472.2 and 4 more transcripts); short protein forms R13G.
Identifiers: ClinVar variation 4144367 (VCV004144367.1).

ClinVar aggregate classification (germline): Uncertain significance (1 of 4 stars; one submission).

Conditions:
Hereditary cancer-predisposing syndrome. Also called: Hereditary neoplastic syndrome; Neoplastic Syndromes, Hereditary; Tumor predisposition; Hereditary Cancer Syndrome. Identifiers: Orphanet 140162, MedGen C0027672, MeSH D009386, MONDO:0015356.

gnomAD v4.1: 2 of 1,613,498 alleles (0.00012%); highest among the groups gnomAD compares: Admixed American, 0.0017%; no homozygotes.

Submission:

Ambry Genetics
Classification: Uncertain significance for Hereditary cancer-predisposing syndrome. Last evaluated: 2025-08-15. Review status: criteria provided, single submitter. Criteria: Ambry Variant Classification Scheme 2023. Collection method: clinical testing. Allele origin: germline.
Comment: The p.R13G variant (also known as c.37C>G), located in coding exon 1 of the PRKAR1A gene, results from a C to G substitution at nucleotide position 37. The arginine at codon 13 is replaced by glycine, an amino acid with dissimilar properties. This amino acid position is highly conserved in available vertebrate species. In addition, this alteration is predicted to be deleterious by in silico analysis. Based on the available evidence, the clinical significance of this variant remains unclear.